The following is an entry in ClinVar:

ClinVar aggregate classification (germline): not provided (0 of 4 stars; one submission).

Conditions:
Small for gestational age. Also called: Low birth weight. Identifiers: MedGen C0235991, HP:0001518.

Submission:

Institute of Molecular and Cell Biology, University of Tartu
No classification provided. Condition: Small for gestational age. Review status: no classification provided. Collection method: case-control. Allele origin: unknown. Affected: yes. Study: Kasak2014.
Comment: The study aimed to determine the contribution of copy number variants in the genetic etiology of normal and complicated pregnancies. The samples represented (i) maternal blood DNA drawn from healthy pregnant women during 1st or 2nd trimester and (ii) maternal and paternal blood DNA drawn at term pregnancy cases representing normal and complicated gestations (severe preeclampsia, PE; gestational diabetes, GD; small-for-gestational age newborn, SGA; large-for-gestational age newborn, LGA). We performed CNV calling based on genome-wide genotyping dataset (Illumina HumanOmniExpress-24-v1 BeadChip) by applying three algorithms, QuantiSNP, GADA (Genome Alteration Detection Algorithm) and CNstream in parallel. The acquired CNV calls were merged with HD-CNV (Hotspot Detector for Copy Number Variants) program and only the CNVs predicted by at least two programs, were considered in subsequent analysis.

Literature cited by the submitters: PubMed 25666259.

NC_000011.10:g.99506676_99703958dup

Gene: CNTN5 (contactin 5; plus strand). Cytogenetic location: 11q22.1.
Variant type: Duplication.
Identifiers: ClinVar variation 157221 (VCV000157221.3).